The following is an entry in ClinVar:

ClinVar aggregate classification (germline): Benign. Review status: criteria provided, multiple submitters, no conflicts (2 of 4 stars). 5 submissions from 5 submitters: Benign (5). Last evaluated 2026-02-01.

Conditions:
SYNE2-related disorder. Also called: SYNE2-related condition.
Emery-Dreifuss muscular dystrophy 5, autosomal dominant (EDMD5). Also called: EMERY-DREIFUSS MUSCULAR DYSTROPHY 5. Identifiers: Orphanet 261, MedGen C2751805, MONDO:0013072, OMIM 612999.

Allele frequency attached by ClinVar (database versions not stated): 1000 Genomes Project 30x 0.00265; 1000 Genomes Project 0.00280; ExAC 0.00970; gnomAD exomes 0.00975; gnomAD 0.01010 and 0.01070; TOPMed 0.01064; ESP Exome Variant Server 0.01353.
gnomAD v4.1: 23,997 of 1,614,150 alleles (1.5%); highest among the groups gnomAD compares: Non-Finnish European, 1.8%; 227 homozygotes.

Submissions (5):

Labcorp Genetics (formerly Invitae), Labcorp
Classification: Benign for Emery-Dreifuss muscular dystrophy 5, autosomal dominant. Last evaluated: 2026-02-01. Review status: criteria provided, single submitter. Criteria: Invitae Variant Classification Sherloc (09022015). Collection method: clinical testing. Allele origin: germline.

PreventionGenetics, part of Exact Sciences
Classification: Benign for SYNE2-related condition. Last evaluated: 2025-09-11. Review status: criteria provided, single submitter. Criteria: ACMG Guidelines, 2015. Collection method: clinical testing. Allele origin: germline.
Comment: This variant is classified as benign based on ACMG/AMP sequence variant interpretation guidelines (Richards et al. 2015 PMID: 25741868, with internal and published modifications).

Athena Diagnostics
Classification: Benign. Last evaluated: 2025-04-04. Review status: criteria provided, single submitter. Criteria: Athena Diagnostics Criteria. Collection method: clinical testing. Allele origin: unknown.
Comment: The frequency of this variant in the general population is higher than would generally be expected for pathogenic variants in this gene.

Illumina Laboratory Services, Illumina
Classification: Benign for Emery-Dreifuss muscular dystrophy 5, autosomal dominant. Last evaluated: 2018-01-13. Review status: criteria provided, single submitter. Criteria: ICSL Variant Classification Criteria 13 December 2019. Collection method: clinical testing. Allele origin: germline.
Comment: This variant was observed in the ICSL laboratory as part of a predisposition screen in an ostensibly healthy population. It had not been previously curated by ICSL or reported in the Human Gene Mutation Database (HGMD: prior to June 1st, 2018), and was therefore a candidate for classification through an automated scoring system. Utilizing variant allele frequency, disease prevalence and penetrance estimates, and inheritance mode, an automated score was calculated to assess if this variant is too frequent to cause the disease. Based on the score and internal cut-off values, a variant classified as benign is not then subjected to further curation. The score for this variant resulted in a classification of benign for this disease.

Breakthrough Genomics
Classification: Benign. Review status: criteria provided, single submitter. Criteria: ACMG Guidelines, 2015. Collection method: not provided. Allele origin: germline. Inheritance: Autosomal dominant inheritance. Affected: yes.

NM_182914.3(SYNE2):c.14197C>A (p.Pro4733Thr)

Gene: SYNE2 (spectrin repeat containing nuclear envelope protein 2; plus strand). Cytogenetic location: 14q23.2.
Variant type: single nucleotide variant.
Coding change: c.14197C>A on transcript NM_182914.3 (MANE Select); coding-DNA position 14197, C replaced by A.
Protein change: p.Pro4733Thr; replaces proline 4733 with threonine.
Molecular consequence: missense variant.
Genome position (GRCh38, 1-based): chr14:64,130,105, C>A. VCF-style: chr14-64130105-C-A. GRCh37 (hg19) VCF-style: chr14-64596823-C-A.
Other names: c.14197C>A, p.Pro4733Thr (NM_015180.6); short protein forms P4733T.
Identifiers: ClinVar variation 313597 (VCV000313597.19), dbSNP rs75568433, ClinGen allele CA7222714.
Genomic context (GRCh38, chr14:64,130,105, plus strand): 5'-CAGGATGTACTTGACAGTATGTGGGGAATGCTAAGAGCCAGGTACACAGAACTCAGCAGC[C>A]CTTTCGTCACTGAGAGCCAGCAAGATGCTTTGTTGCAAGGCATGGTGGAACTGGTGAAGA-3'
Protein context (NP_878918.2, residues 4723-4743): LRARYTELSS[Pro4733Thr]FVTESQQDAL